The following is an entry in ClinVar:

NM_015073.3(SIPA1L3):c.4763G>A (p.Arg1588His)

Gene: SIPA1L3 (signal induced proliferation associated 1 like 3; plus strand). Cytogenetic location: 19q13.13.
Variant type: single nucleotide variant.
Coding change: c.4763G>A on transcript NM_015073.3 (MANE Select); coding-DNA position 4763, G replaced by A.
Protein change: p.Arg1588His; replaces arginine 1588 with histidine.
Molecular consequence: missense variant.
Genome position (GRCh38, 1-based): chr19:38,193,703, G>A. VCF-style: chr19-38193703-G-A. GRCh37 (hg19) VCF-style: chr19-38684343-G-A.
Other names: c.4763G>A (NM_015073.1); short protein forms R1588H.
Identifiers: ClinVar variation 2908871 (VCV002908871.5), dbSNP rs201825129, ClinGen allele CA9410462.

ClinVar aggregate classification (germline): Uncertain significance. Review status: criteria provided, multiple submitters, no conflicts (2 of 4 stars). 2 submissions from 2 submitters: Uncertain significance (2). Last evaluated 2025-12-04.

Allele frequency attached by ClinVar (database versions not stated): ExAC 0.00004; gnomAD 0.00007; gnomAD exomes 0.00001; ESP Exome Variant Server 0.00008; TOPMed 0.00008.
gnomAD v4.1: 30 of 1,569,616 alleles (0.0019%); highest among the groups gnomAD compares: African/African-American, 0.023%; no homozygotes.

Submissions (2):

Ambry Genetics
Classification: Uncertain significance. Last evaluated: 2025-12-04. Review status: criteria provided, single submitter. Criteria: Ambry Variant Classification Scheme 2023. Collection method: clinical testing. Allele origin: germline.

Labcorp Genetics (formerly Invitae), Labcorp
Classification: Uncertain significance. Last evaluated: 2024-02-05. Review status: criteria provided, single submitter. Criteria: Invitae Variant Classification Sherloc (09022015). Collection method: clinical testing. Allele origin: germline.
Comment: This sequence change replaces arginine, which is basic and polar, with histidine, which is basic and polar, at codon 1588 of the SIPA1L3 protein (p.Arg1588His). The frequency data for this variant in the population databases is considered unreliable, as metrics indicate poor data quality at this position in the gnomAD database. This variant has not been reported in the literature in individuals affected with SIPA1L3-related conditions. An algorithm developed to predict the effect of missense changes on protein structure and function (PolyPhen-2) suggests that this variant is likely to be disruptive. In summary, the available evidence is currently insufficient to determine the role of this variant in disease. Therefore, it has been classified as a Variant of Uncertain Significance.